The following is an entry in ClinVar:

ClinVar aggregate classification (germline): Conflicting classifications of pathogenicity. Review status: criteria provided, conflicting classifications (1 of 4 stars). 2 submissions from 2 submitters: Uncertain significance (1); Likely benign (1). Last evaluated 2024-08-12.

gnomAD v4.1: 10 of 1,614,034 alleles (0.00062%); highest among the groups gnomAD compares: Non-Finnish European, 0.00085%; no homozygotes.

Submissions (2):

Women's Health and Genetics/Laboratory Corporation of America, LabCorp
Classification: Uncertain significance. Last evaluated: 2024-08-12. Review status: criteria provided, single submitter. Criteria: LabCorp Variant Classification Summary - May 2015. Collection method: clinical testing. Allele origin: germline.
Comment: Variant summary: CACNA1D c.3987G>C (p.Glu1329Asp) results in a conservative amino acid change located in the Ion transport domain (IPR005821) of the encoded protein sequence. Three of five in-silico tools predict a benign effect of the variant on protein function. The variant allele was found at a frequency of 8e-06 in 251490 control chromosomes. The available data on variant occurrences in the general population are insufficient to allow any conclusion about variant significance. To our knowledge, no occurrence of c.3987G>C in individuals affected with Sinoatrial Node Dysfunction And Deafness and no experimental evidence demonstrating its impact on protein function have been reported. No submitters have cited clinical-significance assessments for this variant to ClinVar. Based on the evidence outlined above, the variant was classified as uncertain significance.

Blueprint Genetics
Classification: Likely benign. Last evaluated: 2023-04-28. Review status: criteria provided, single submitter. Criteria: ACMG Guidelines, 2015. Collection method: clinical testing. Allele origin: germline.

NM_001128840.3(CACNA1D):c.3927G>C (p.Glu1309Asp)

Gene: CACNA1D (calcium voltage-gated channel subunit alpha1 D; plus strand). Cytogenetic location: 3p21.1.
Variant type: single nucleotide variant.
Coding change: c.3927G>C on transcript NM_001128840.3 (MANE Select); coding-DNA position 3927, G replaced by C.
Protein change: p.Glu1309Asp; replaces glutamic acid 1309 with aspartic acid.
Molecular consequence: missense variant.
Genome position (GRCh38, 1-based): chr3:53,770,435, G>C. VCF-style: chr3-53770435-G-C. GRCh37 (hg19) VCF-style: chr3-53804462-G-C.
Other names: c.3987G>C, p.Glu1329Asp (NM_000720.4); c.3882G>C, p.Glu1294Asp (NM_001128839.3); short protein forms E1294D, E1309D, E1329D.
Identifiers: ClinVar variation 3366838 (VCV003366838.2).
Genomic context (GRCh38, chr3:53,770,435, plus strand): 5'-GCATGTTCTACTTTCCATTGGGTTTGACCTCTCCATGATAACCCTTCAGAACTCTGAAGA[G>C]AGCAATAGAATCTCCATCACCTTTTTCCGTCTTTTCCGAGTGATGCGATTGGTGAAGCTT-3'
Protein context (NP_001122312.1, residues 1299-1319): VPTATPGNSE[Glu1309Asp]SNRISITFFR